The following is an entry in ClinVar:

NM_001378778.1(MPDZ):c.553A>G (p.Thr185Ala)

Gene: MPDZ (multiple PDZ domain crumbs cell polarity complex component; minus strand). Cytogenetic location: 9p23.
Variant type: single nucleotide variant.
Coding change: c.553A>G on transcript NM_001378778.1 (MANE Select); coding-DNA position 553, A replaced by G.
Protein change: p.Thr185Ala; replaces threonine 185 with alanine.
Molecular consequence: missense variant.
Genome position (GRCh38, 1-based): chr9:13,222,427, T>C on the plus strand (A>G on the coding strand, the complement: MPDZ is on the minus strand). VCF-style: chr9-13222427-T-C. GRCh37 (hg19) VCF-style: chr9-13222426-T-C.
Other names: c.553A>G, p.Thr185Ala (NM_001261406.2, NM_001261407.2, NM_001330637.2 and 14 more transcripts); c.553A>G (NM_003829.3); short protein forms T185A.
Identifiers: ClinVar variation 2167591 (VCV002167591.2), dbSNP rs746351576, ClinGen allele CA372947338.

ClinVar aggregate classification (germline): Uncertain significance. Review status: criteria provided, multiple submitters, no conflicts (2 of 4 stars). 2 submissions from 2 submitters: Uncertain significance (2). Last evaluated 2024-10-29.

Conditions:
Inborn genetic diseases. Identifiers: MedGen C0950123, MeSH D030342.

Allele frequency attached by ClinVar (database versions not stated): gnomAD 0.00001; TOPMed 0.00001.
gnomAD v4.1: 16 of 1,611,978 alleles (0.00099%); highest among the groups gnomAD compares: Non-Finnish European, 0.0014%; no homozygotes.

Submissions (2):

Ambry Genetics
Classification: Uncertain significance for Inborn genetic diseases. Last evaluated: 2024-10-29. Review status: criteria provided, single submitter. Criteria: Ambry Variant Classification Scheme 2023. Collection method: clinical testing. Allele origin: germline.

Labcorp Genetics (formerly Invitae), Labcorp
Classification: Uncertain significance. Last evaluated: 2022-01-26. Review status: criteria provided, single submitter. Criteria: Invitae Variant Classification Sherloc (09022015). Collection method: clinical testing. Allele origin: germline.
Comment: This sequence change replaces threonine, which is neutral and polar, with alanine, which is neutral and non-polar, at codon 185 of the MPDZ protein (p.Thr185Ala). This variant is not present in population databases (gnomAD no frequency). This variant has not been reported in the literature in individuals affected with MPDZ-related conditions. Algorithms developed to predict the effect of missense changes on protein structure and function output the following: SIFT: "Tolerated"; PolyPhen-2: "Benign"; Align-GVGD: "Class C0". The alanine amino acid residue is found in multiple mammalian species, which suggests that this missense change does not adversely affect protein function. In summary, the available evidence is currently insufficient to determine the role of this variant in disease. Therefore, it has been classified as a Variant of Uncertain Significance.